The following is an entry in ClinVar:

ClinVar aggregate classification (germline): Uncertain significance (1 of 4 stars; one submission).

Submission:

Labcorp Genetics (formerly Invitae), Labcorp
Classification: Uncertain significance. Last evaluated: 2022-07-06. Review status: criteria provided, single submitter. Criteria: Invitae Variant Classification Sherloc (09022015). Collection method: clinical testing. Allele origin: germline.
Comment: This variant is not present in population databases (gnomAD no frequency). This variant has not been reported in the literature in individuals affected with TRPM1-related conditions. ClinVar contains an entry for this variant (Variation ID: 1379336). Algorithms developed to predict the effect of missense changes on protein structure and function are either unavailable or do not agree on the potential impact of this missense change (SIFT: "Deleterious"; PolyPhen-2: "Possibly Damaging"; Align-GVGD: "Class C0"). In summary, the available evidence is currently insufficient to determine the role of this variant in disease. Therefore, it has been classified as a Variant of Uncertain Significance. This sequence change replaces glutamine, which is neutral and polar, with histidine, which is basic and polar, at codon 108 of the TRPM1 protein (p.Gln108His).

NM_001252024.2(TRPM1):c.390G>C (p.Gln130His)

Gene: TRPM1 (transient receptor potential cation channel subfamily M member 1; minus strand). Cytogenetic location: 15q13.3.
Variant type: single nucleotide variant.
Coding change: c.390G>C on transcript NM_001252024.2 (MANE Select); coding-DNA position 390, G replaced by C.
Protein change: p.Gln130His; replaces glutamine 130 with histidine.
Molecular consequence: missense variant.
Genome position (GRCh38, 1-based): chr15:31,067,982, C>G on the plus strand (G>C on the coding strand, the complement: TRPM1 is on the minus strand). VCF-style: chr15-31067982-C-G. GRCh37 (hg19) VCF-style: chr15-31360185-C-G.
Other names: c.441G>C, p.Gln147His (NM_001252020.2); c.324G>C, p.Gln108His (NM_002420.6); short protein forms Q108H, Q130H, Q147H.
Identifiers: ClinVar variation 1379336 (VCV001379336.5), dbSNP rs2034427842, ClinGen allele CA391534696.